The following is an entry in ClinVar:

ClinVar aggregate classification (germline): Likely pathogenic (1 of 4 stars; one submission).

Submission:

Labcorp Genetics (formerly Invitae), Labcorp
Classification: Likely pathogenic. Last evaluated: 2022-07-12. Review status: criteria provided, single submitter. Criteria: Invitae Variant Classification Sherloc (09022015). Collection method: clinical testing. Allele origin: germline.
Comment: In summary, the currently available evidence indicates that the variant is pathogenic, but additional data are needed to prove that conclusively. Therefore, this variant has been classified as Likely Pathogenic. This variant has not been reported in the literature in individuals affected with ADGRV1-related conditions. This variant results in a copy number gain of the genomic region encompassing exon(s) 12-19 of the ADGRV1 gene. While the exact position of this variant cannot be determined from the data, sub-genic copy number gains are generally in tandem (PMID: 25640679). This variant is predicted to be out-of-frame, and may result in an absent or disrupted protein product. Loss-of-function variants in ADGRV1 are known to be pathogenic (PMID: 19357117, 22135276, 22147658, 26226137, 30718709, 31047384, 32467589).

Literature cited by the submitters: PubMed 25640679; PubMed 19357117; PubMed 22135276; PubMed 22147658; PubMed 26226137; PubMed 30718709; PubMed 31047384; PubMed 32467589.

NC_000005.9:g.(?_89938433)_(89948400_?)dup

Gene: ADGRV1 (adhesion G protein-coupled receptor V1; plus strand). Cytogenetic location: 5q14.3.
Variant type: Duplication.
Identifiers: ClinVar variation 1525884 (VCV001525884.5).